The following is an entry in ClinVar:

ClinVar aggregate classification (germline): Uncertain significance (1 of 4 stars; one submission).

Allele frequency attached by ClinVar (database versions not stated): TOPMed below 0.00001; gnomAD 0.00001.
gnomAD v4.1: 1 of 1,613,804 alleles (0.000062%); highest among the groups gnomAD compares: East Asian, 0.0022%; no homozygotes.

Submission:

Ambry Genetics
Classification: Uncertain significance. Last evaluated: 2023-01-27. Review status: criteria provided, single submitter. Criteria: Ambry Variant Classification Scheme 2023. Collection method: clinical testing. Allele origin: germline.
Comment: The p.P1374L variant (also known as c.4121C>T), located in coding exon 16 of the POLQ gene, results from a C to T substitution at nucleotide position 4121. The proline at codon 1374 is replaced by leucine, an amino acid with similar properties. This amino acid position is conserved. In addition, this alteration is predicted to be tolerated by in silico analysis. Since supporting evidence is limited at this time, the clinical significance of this alteration remains unclear.

NM_199420.4(POLQ):c.4121C>T (p.Pro1374Leu)

Gene: POLQ (DNA polymerase theta; minus strand). Cytogenetic location: 3q13.33.
Variant type: single nucleotide variant.
Coding change: c.4121C>T on transcript NM_199420.4 (MANE Select); coding-DNA position 4121, C replaced by T.
Protein change: p.Pro1374Leu; replaces proline 1374 with leucine.
Molecular consequence: missense variant.
Genome position (GRCh38, 1-based): chr3:121,488,810, G>A on the plus strand (C>T on the coding strand, the complement: POLQ is on the minus strand). VCF-style: chr3-121488810-G-A. GRCh37 (hg19) VCF-style: chr3-121207657-G-A.
Other names: short protein forms P1374L.
Identifiers: ClinVar variation 2448989 (VCV002448989.2), dbSNP rs1315048990, ClinGen allele CA354096083.
Genomic context (GRCh38, chr3:121,488,810, plus strand): 5'-GTCTTAAGGTCCAAATGATCTATCTTAGTCGCTCCTAGAGGGTGCTGTTCAGCAGGAAAA[G>A]GAATGTGACACTCCTTCTGAAAAGAGTTCATTGAGTTCTGTTGGACTAAGCTCTTCTGCA-3'
Protein context (NP_955452.3, residues 1364-1384): MNSFQKECHI[Pro1374Leu]FPAEQHPLGA